The following is an entry in ClinVar:

ClinVar aggregate classification (germline): Uncertain significance. Review status: criteria provided, multiple submitters, no conflicts (2 of 4 stars). 2 submissions from 2 submitters: Uncertain significance (2). Last evaluated 2025-08-04.

Conditions:
DOCK2 deficiency. Also called: Immunodeficiency 40. Identifiers: Orphanet 447737, MedGen C4225328, MONDO:0014637, OMIM 616433.
Inborn genetic diseases. Identifiers: MedGen C0950123, MeSH D030342.

gnomAD v4.1: 10 of 1,613,960 alleles (0.00062%); highest among the groups gnomAD compares: African/African-American, 0.013%; no homozygotes.

Submissions (2):

Labcorp Genetics (formerly Invitae), Labcorp
Classification: Uncertain significance for DOCK2 deficiency. Last evaluated: 2025-08-04. Review status: criteria provided, single submitter. Criteria: Invitae Variant Classification Sherloc (09022015). Collection method: clinical testing. Allele origin: germline.
Comment: This sequence change replaces serine, which is neutral and polar, with asparagine, which is neutral and polar, at codon 962 of the DOCK2 protein (p.Ser962Asn). This variant is present in population databases (no rsID available, gnomAD 0.008%). This variant has not been reported in the literature in individuals affected with DOCK2-related conditions. ClinVar contains an entry for this variant (Variation ID: 4014098). An algorithm developed to predict the effect of missense changes on protein structure and function outputs the following: PolyPhen-2: "Benign". The asparagine amino acid residue is found in multiple mammalian species, which suggests that this missense change does not adversely affect protein function. In summary, the available evidence is currently insufficient to determine the role of this variant in disease. Therefore, it has been classified as a Variant of Uncertain Significance.

Ambry Genetics
Classification: Uncertain significance for Inborn genetic diseases. Last evaluated: 2025-04-28. Review status: criteria provided, single submitter. Criteria: Ambry Variant Classification Scheme 2023. Collection method: clinical testing. Allele origin: germline.

NM_004946.3(DOCK2):c.2885G>A (p.Ser962Asn)

Gene: DOCK2 (dedicator of cytokinesis 2; plus strand). Cytogenetic location: 5q35.1.
Variant type: single nucleotide variant.
Coding change: c.2885G>A on transcript NM_004946.3 (MANE Select); coding-DNA position 2885, G replaced by A.
Protein change: p.Ser962Asn; replaces serine 962 with asparagine.
Molecular consequence: missense variant. On other transcripts: non-coding transcript variant (1).
Genome position (GRCh38, 1-based): chr5:169,983,153, G>A. VCF-style: chr5-169983153-G-A. GRCh37 (hg19) VCF-style: chr5-169410157-G-A.
Other names: short protein forms S962N.
Identifiers: ClinVar variation 4014098 (VCV004014098.2).
Genomic context (GRCh38, chr5:169,983,153, plus strand): 5'-CCATCTTAAACCAGATGGGTGACCAGCACTACTCCTTCTACATTGAGACCTTCCAGACCA[G>A]CTCTGAACTTGTGGTGAGTCTGCAGGATGCTGGGGGTGAGGAAGAACTCTTCCATCTCTG-3'
Protein context (NP_004937.1, residues 952-972): YSFYIETFQT[Ser962Asn]SELVDFLMET